The following is an entry in ClinVar:

NM_198060.4(NRAP):c.5088+137C>T

Genes: HABP2 (hyaluronan binding protein 2; plus strand), NRAP (nebulin related anchoring protein; minus strand). Cytogenetic location: 10q25.3.
Variant type: single nucleotide variant.
Coding change: c.5088+137C>T on transcript NM_198060.4 (MANE Select); 137 bases into the intron after coding-DNA position 5088, C replaced by T.
Molecular consequence: intron variant. On other transcripts: 3 prime UTR variant (2).
Genome position (GRCh38, 1-based): chr10:113,589,529, G>A on the plus strand (C>T on the coding strand, the complement: NRAP is on the minus strand). VCF-style: chr10-113589529-G-A. GRCh37 (hg19) VCF-style: chr10-115349288-G-A.
Other names: NC_000010.10:g.115349288G>A; c.*1160G>A (NM_001177660.3, NM_004132.5); c.4983+137C>T (NM_006175.5); c.4980+137C>T (NM_001322945.2); c.5088+137C>T (NM_001261463.2).
Identifiers: ClinVar variation 298946 (VCV000298946.7), dbSNP rs11575788, ClinGen allele CA10635031.

ClinVar aggregate classification (germline): Benign. Review status: criteria provided, multiple submitters, no conflicts (2 of 4 stars). 2 submissions from 2 submitters: Benign (2). Last evaluated 2018-01-13.

Conditions:
Factor VII-activating protease marburg I. Identifiers: MedGen CN068943.

Allele frequency attached by ClinVar (database versions not stated): gnomAD 0.01038 and 0.01086; TOPMed 0.01150; 1000 Genomes Project 0.01657; 1000 Genomes Project 30x 0.01671.
gnomAD v4.1: 2,583 of 1,004,944 alleles (0.26%); highest among the groups gnomAD compares: African/African-American, 3.5%; 47 homozygotes.

Submissions (4):

Illumina Laboratory Services, Illumina
Classification: Benign for Factor VII Marburg I Variant Thrombophilia. Last evaluated: 2018-01-13. Review status: criteria provided, single submitter. Criteria: ICSL Variant Classification Criteria 13 December 2019. Collection method: clinical testing. Allele origin: germline.
Comment: This variant was observed in the ICSL laboratory as part of a predisposition screen in an ostensibly healthy population. It had not been previously curated by ICSL or reported in the Human Gene Mutation Database (HGMD: prior to June 1st, 2018), and was therefore a candidate for classification through an automated scoring system. Utilizing variant allele frequency, disease prevalence and penetrance estimates, and inheritance mode, an automated score was calculated to assess if this variant is too frequent to cause the disease. Based on the score and internal cut-off values, a variant classified as benign is not then subjected to further curation. The score for this variant resulted in a classification of benign for this disease.

Breakthrough Genomics
Classification: Benign. Review status: criteria provided, single submitter. Criteria: ACMG Guidelines, 2015. Collection method: not provided. Allele origin: germline. Inheritance: Autosomal dominant inheritance. Affected: yes.

Dr. Peter K. Rogan Lab, Western University
No classification provided (evidence only). Condition: Lung cancer. Review status: no classification provided. Collection method: in vitro. Allele origin: not applicable. Functional consequence: retained intron. Not counted in ClinVar's aggregate classification.

Dr. Peter K. Rogan Lab, Western University
No classification provided (evidence only). Condition: Thyroid cancer, nonmedullary, 1. Review status: no classification provided. Collection method: in vitro. Allele origin: not applicable. Functional consequence: retained intron. Not counted in ClinVar's aggregate classification.